The following is an entry in ClinVar:

NM_014491.4(FOXP2):c.-14G>T

Gene: FOXP2 (forkhead box P2; plus strand). Cytogenetic location: 7q31.1.
Variant type: single nucleotide variant.
Coding change: c.-14G>T on transcript NM_014491.4 (MANE Select); 14 bases upstream of the start codon, G replaced by T.
Molecular consequence: 5 prime UTR variant. On other transcripts: non-coding transcript variant (1).
Genome position (GRCh38, 1-based): chr7:114,415,357, G>T. VCF-style: chr7-114415357-G-T. GRCh37 (hg19) VCF-style: chr7-114055412-G-T.
Other names: c.-14G>T (NM_001172766.3, NM_148898.4, NM_148900.4).
Identifiers: ClinVar variation 910571 (VCV000910571.4), dbSNP rs759420480, ClinGen allele CA4445624.

ClinVar aggregate classification (germline): Benign (1 of 4 stars; one submission).

Conditions:
Childhood apraxia of speech (SPCH1). Also called: FOXP2-Related Speech and Language Disorder; DEVELOPMENTAL VERBAL DYSPRAXIA; SPEECH AND LANGUAGE DISORDER WITH OROFACIAL DYSPRAXIA; Speech language disorder. Identifiers: Orphanet 209908, MedGen C0750927, MONDO:0011184, OMIM 602081.

Allele frequency attached by ClinVar (database versions not stated): gnomAD 0.00003; TOPMed 0.00005; gnomAD exomes 0.00010 and 0.00013; ExAC 0.00022.
gnomAD v4.1: 41 of 449,188 alleles (0.0091%); highest among the groups gnomAD compares: South Asian, 0.017%; no homozygotes.

Submission:

Illumina Laboratory Services, Illumina
Classification: Benign for Childhood apraxia of speech. Last evaluated: 2018-01-12. Review status: criteria provided, single submitter. Criteria: ICSL Variant Classification Criteria 13 December 2019. Collection method: clinical testing. Allele origin: germline.
Comment: This variant was observed in the ICSL laboratory as part of a predisposition screen in an ostensibly healthy population. It had not been previously curated by ICSL or reported in the Human Gene Mutation Database (HGMD: prior to June 1st, 2018), and was therefore a candidate for classification through an automated scoring system. Utilizing variant allele frequency, disease prevalence and penetrance estimates, and inheritance mode, an automated score was calculated to assess if this variant is too frequent to cause the disease. Based on the score and internal cut-off values, a variant classified as benign is not then subjected to further curation. The score for this variant resulted in a classification of benign for this disease.